The following is an entry in ClinVar:

ClinVar aggregate classification (germline): Pathogenic (1 of 4 stars; one submission).

Conditions:
Myopathy, proximal, and ophthalmoplegia (CMYO6). Also called: MYOPATHY WITH CONGENITAL JOINT CONTRACTURES, OPHTHALMOPLEGIA, AND RIMMED VACUOLES; INCLUSION BODY MYOPATHY 3, AUTOSOMAL DOMINANT; CONGENITAL MYOPATHY 6 WITH OPHTHALMOPLEGIA. Identifiers: Orphanet 363677, Orphanet 79091, MedGen C1854106, MONDO:0011577, OMIM 605637.

Submission:

Labcorp Genetics (formerly Invitae), Labcorp
Classification: Pathogenic for Myopathy, proximal, and ophthalmoplegia. Last evaluated: 2025-07-03. Review status: criteria provided, single submitter. Criteria: Invitae Variant Classification Sherloc (09022015). Collection method: clinical testing. Allele origin: germline.
Comment: This sequence change creates a premature translational stop signal (p.Gln418Argfs*3) in the MYH2 gene. It is expected to result in an absent or disrupted protein product. Loss-of-function variants in MYH2 are known to be pathogenic (PMID: 20418530, 23388406, 24193343). This variant is not present in population databases (gnomAD no frequency). This variant has not been reported in the literature in individuals affected with MYH2-related conditions. For these reasons, this variant has been classified as Pathogenic.

Literature cited by the submitters: PubMed 20418530; PubMed 23388406; PubMed 24193343.

NM_017534.6(MYH2):c.1253del (p.Gln418fs)

Genes: MYH2 (myosin heavy chain 2; minus strand), MYHAS (myosin heavy chain gene cluster antisense RNA; plus strand). Cytogenetic location: 17p13.1.
Variant type: Deletion.
Coding change: c.1253del on transcript NM_017534.6 (MANE Select); coding-DNA position 1253, one base deleted (A; older notation c.1253delA).
Protein change: p.Gln418fs; shifts the reading frame from glutamine 418.
Molecular consequence: frameshift variant.
Genome position (GRCh38, 1-based): chr17:10,539,457, T deleted on the plus strand (A on the coding strand, the reverse complement: MYH2 is on the minus strand). VCF-style (leftmost placement, unchanged base first): chr17-10539456-CT-C. GRCh37 (hg19) VCF-style: chr17-10442773-CT-C.
Other names: c.1253del, p.Gln418fs (NM_001100112.2); short protein forms Q418fs.
Identifiers: ClinVar variation 4720875 (VCV004720875.1).
Genomic context (GRCh38, chr17:10,539,456, plus strand): 5'-TATGAAAATGCTTTCATCCCTGGCAGTTAATTTGAATTATGCACCTACCTGTTCTACAGT[CT>C]GGCCTTTGGTGACATACTCATTGCCGACCTTGACCCTGGGGTAGCAGAGAGCTTTGAGCA-3'